The following is an entry in ClinVar:

ClinVar aggregate classification (germline): Pathogenic (1 of 4 stars; one submission).

Conditions:
Hereditary cancer-predisposing syndrome. Also called: Neoplastic Syndromes, Hereditary; Tumor predisposition; Hereditary neoplastic syndrome; Hereditary Cancer Syndrome. Identifiers: Orphanet 140162, MedGen C0027672, MeSH D009386, MONDO:0015356.

Submission:

Ambry Genetics
Classification: Pathogenic for Hereditary cancer-predisposing syndrome. Last evaluated: 2023-12-04. Review status: criteria provided, single submitter. Criteria: Ambry Variant Classification Scheme 2023. Collection method: clinical testing. Allele origin: germline.
Comment: The c.483delA pathogenic mutation, located in coding exon 6 of the RAD51D gene, results from a deletion of one nucleotide at nucleotide position 483, causing a translational frameshift with a predicted alternate stop codon (p.E162Kfs*32). This alteration is expected to result in loss of function by premature protein truncation or nonsense-mediated mRNA decay. As such, this alteration is interpreted as a disease-causing mutation.

NM_002878.4(RAD51D):c.483del (p.Glu162fs)

Genes: RAD51D (RAD51 paralog D; minus strand), RAD51L3-RFFL (RAD51L3-RFFL readthrough; minus strand). Cytogenetic location: 17q12.
Variant type: Deletion.
Coding change: c.483del on transcript NM_002878.4 (MANE Select); coding-DNA position 483, one base deleted (A; older notation c.483delA).
Protein change: p.Glu162fs; shifts the reading frame from glutamic acid 162.
Molecular consequence: frameshift variant. On other transcripts: non-coding transcript variant (3).
Genome position (GRCh38, 1-based): chr17:35,106,479, T deleted on the plus strand (A on the coding strand, the reverse complement: RAD51D is on the minus strand). VCF-style (leftmost placement, unchanged base first): chr17-35106478-CT-C. GRCh37 (hg19) VCF-style: chr17-33433497-CT-C.
Other names: c.483delA (NM_002878.3); c.543del, p.Glu182fs (NM_001142571.2); c.147del, p.Glu50fs (NM_133629.3); short protein forms E182fs, E162fs, E50fs.
Identifiers: ClinVar variation 825221 (VCV000825221.4), dbSNP rs1597861892, ClinGen allele CA915949985.
Genomic context (GRCh38, chr17:35,106,478, plus strand): 5'-GCACATCCAGCATCTGGAAGATGTCAAATGCATGCACCACCTGGATCCTCCGGAGAGCTT[CT>C]GCCTGAAGCGGTGGAAAAGAAAAGCAAGGACTTTGGATAAGAGGGAGTAGGGGGGTCAAG-3'